The following is an entry in ClinVar:

ClinVar aggregate classification (germline): Uncertain significance (1 of 4 stars; one submission).

Conditions:
Cardiovascular phenotype. Identifiers: MedGen CN230736.

gnomAD v4.1: 1 of 1,613,686 alleles (0.000062%); highest among the groups gnomAD compares: Non-Finnish European, 0.000085%; no homozygotes.

Submission:

Ambry Genetics
Classification: Uncertain significance for Cardiovascular phenotype. Last evaluated: 2024-08-11. Review status: criteria provided, single submitter. Criteria: Ambry Variant Classification Scheme 2023. Collection method: clinical testing. Allele origin: germline.
Comment: The p.D3430N variant (also known as c.10288G>A), located in coding exon 41 of the AKAP9 gene, results from a G to A substitution at nucleotide position 10288. The aspartic acid at codon 3430 is replaced by asparagine, an amino acid with highly similar properties. This amino acid position is conserved. In addition, this alteration is predicted to be tolerated by in silico analysis. Based on the available evidence, the clinical significance of this variant remains unclear.

NM_005751.5(AKAP9):c.10288G>A (p.Asp3430Asn)

Gene: AKAP9 (A-kinase anchoring protein 9; plus strand). Cytogenetic location: 7q21.2.
Variant type: single nucleotide variant.
Coding change: c.10288G>A on transcript NM_005751.5 (MANE Select); coding-DNA position 10288, G replaced by A.
Protein change: p.Asp3430Asn; replaces aspartic acid 3430 with asparagine.
Molecular consequence: missense variant.
Genome position (GRCh38, 1-based): chr7:92,097,247, G>A. VCF-style: chr7-92097247-G-A. GRCh37 (hg19) VCF-style: chr7-91726561-G-A.
Other names: c.4933G>A, p.Asp1645Asn (NM_001379277.1); c.10264G>A, p.Asp3422Asn (NM_147185.3); short protein forms D1645N, D3422N, D3430N.
Identifiers: ClinVar variation 3516290 (VCV003516290.1).